The following is an entry in ClinVar:

NM_018417.6(ADCY10):c.4059G>T (p.Pro1353=)

Gene: ADCY10 (adenylate cyclase 10; minus strand). Cytogenetic location: 1q24.2.
Variant type: single nucleotide variant.
Coding change: c.4059G>T on transcript NM_018417.6 (MANE Select); coding-DNA position 4059, G replaced by T.
Protein change: p.Pro1353=; no amino-acid change (proline 1353 retained).
Molecular consequence: synonymous variant.
Genome position (GRCh38, 1-based): chr1:167,823,117, C>A on the plus strand (G>T on the coding strand, the complement: ADCY10 is on the minus strand). VCF-style: chr1-167823117-C-A. GRCh37 (hg19) VCF-style: chr1-167792355-C-A.
Other names: c.3600G>T, p.Pro1200= (NM_001167749.3); c.3783G>T, p.Pro1261= (NM_001297772.2); c.4059G>T (NM_018417.5).
Identifiers: ClinVar variation 1122627 (VCV001122627.9), dbSNP rs201556412, ClinGen allele CA1227154.

ClinVar aggregate classification (germline): Likely benign. Review status: criteria provided, single submitter (1 of 4 stars). 2 submissions from 2 submitters: Likely benign (1). 1 of the submissions does not count toward it. Last evaluated 2025-12-07.

Conditions:
ADCY10-related disorder. Also called: ADCY10-related condition.

Allele frequency attached by ClinVar (database versions not stated): 1000 Genomes Project 30x 0.00016; 1000 Genomes Project 0.00020; ExAC 0.00022; TOPMed 0.00022; gnomAD 0.00023 and 0.00025; ESP Exome Variant Server 0.00038.
gnomAD v4.1: 613 of 1,613,794 alleles (0.038%); highest among the groups gnomAD compares: South Asian, 0.052%; 1 homozygote.

Submissions (2):

Labcorp Genetics (formerly Invitae), Labcorp
Classification: Likely benign. Last evaluated: 2025-12-07. Review status: criteria provided, single submitter. Criteria: Invitae Variant Classification Sherloc (09022015). Collection method: clinical testing. Allele origin: germline.

PreventionGenetics, part of Exact Sciences
Classification: Likely benign for ADCY10-related condition. Last evaluated: 2019-07-10. Review status: no assertion criteria provided. Collection method: clinical testing. Allele origin: germline. Not counted in ClinVar's aggregate classification.
Comment: This variant is classified as likely benign based on ACMG/AMP sequence variant interpretation guidelines (Richards et al. 2015 PMID: 25741868, with internal and published modifications).